The following is an entry in ClinVar:

ClinVar aggregate classification (germline): Uncertain significance (1 of 4 stars; one submission).

Conditions:
Cardiomyopathy (CMYO). Also called: Cardiomyopathies. Identifiers: Orphanet 167848, MedGen C0878544, MONDO:0004994, HP:0001638. Inheritance: Various modes of inheritance.

gnomAD v4.1: 1 of 1,614,170 alleles (0.000062%); highest among the groups gnomAD compares: Non-Finnish European, 0.000085%; no homozygotes.

Submission:

Color Diagnostics, LLC DBA Color Health
Classification: Uncertain significance for Cardiomyopathy. Last evaluated: 2025-03-03. Review status: criteria provided, single submitter. Criteria: ACMG Guidelines, 2015. Collection method: clinical testing. Allele origin: germline.
Comment: This missense variant replaces serine with phenylalanine at codon 1037 of the MYH7 protein. Computational prediction suggests that this variant may have deleterious impact on protein structure and function (internally defined REVEL score threshold >= 0.7, PMID: 27666373). To our knowledge, functional studies have not been reported for this variant. This variant has not been reported in individuals affected with MYH7-related disorders in the literature. This variant has not been identified in the general population by the Genome Aggregation Database (gnomAD). The available evidence is insufficient to determine the role of this variant in disease conclusively. Therefore, this variant is classified as a Variant of Uncertain Significance.

NM_000257.4(MYH7):c.3110C>T (p.Ser1037Phe)

Gene: MYH7 (myosin heavy chain 7; minus strand). Cytogenetic location: 14q11.2.
Variant type: single nucleotide variant.
Coding change: c.3110C>T on transcript NM_000257.4 (MANE Select); coding-DNA position 3110, C replaced by T.
Protein change: p.Ser1037Phe; replaces serine 1037 with phenylalanine.
Molecular consequence: missense variant.
Genome position (GRCh38, 1-based): chr14:23,422,315, G>A on the plus strand (C>T on the coding strand, the complement: MYH7 is on the minus strand). VCF-style: chr14-23422315-G-A. GRCh37 (hg19) VCF-style: chr14-23891524-G-A.
Other names: c.3110C>T, p.Ser1037Phe (NM_001407004.1); short protein forms S1037F.
Identifiers: ClinVar variation 3894239 (VCV003894239.1).
Genomic context (GRCh38, chr14:23,422,315, plus strand): 5'-CCCTCCAGCTTCCGCTTCGCTCGCTCCAGGTCCATGCGCACCTTCTTCTCTTGCTCCAGG[G>A]ATCCTTCCAGCTGGTAGAGAGAAGGAGCCAGGCCCAGTGAGGCAAAGCATCCTGACTTGG-3'
Protein context (NP_000248.2, residues 1027-1047): LEQQVDDLEG[Ser1037Phe]LEQEKKVRMD